The following is an entry in ClinVar:

NM_001377.3(DYNC2H1):c.9292C>T (p.Gln3098Ter)

Gene: DYNC2H1 (dynein cytoplasmic 2 heavy chain 1; plus strand). Cytogenetic location: 11q22.3.
Variant type: single nucleotide variant.
Coding change: c.9292C>T on transcript NM_001377.3 (MANE Select); coding-DNA position 9292, C replaced by T.
Protein change: p.Gln3098Ter; replaces glutamine 3098 with a stop codon.
Molecular consequence: nonsense.
Genome position (GRCh38, 1-based): chr11:103,223,025, C>T. VCF-style: chr11-103223025-C-T. GRCh37 (hg19) VCF-style: chr11-103093754-C-T.
Other names: c.9292C>T, p.Gln3098Ter (NM_001080463.2); short protein forms Q3098*.
Identifiers: ClinVar variation 2852967 (VCV002852967.5), dbSNP rs1408863024, ClinGen allele CA382265203.

ClinVar aggregate classification (germline): Pathogenic/Likely pathogenic. Review status: criteria provided, multiple submitters, no conflicts (2 of 4 stars). 3 submissions from 3 submitters: Pathogenic (2); Likely pathogenic (1). Last evaluated 2024-10-27.

Conditions:
Jeune thoracic dystrophy. Also called: Jeune syndrome; Infantile thoracic dystrophy; Thoracic pelvic phalangeal dystrophy; Jeune's syndrome; Chondroectodermal dysplasia-like syndrome; Short-rib thoracic dysplasia. Identifiers: Orphanet 474, MedGen C0265275, MONDO:0018770.
Asphyxiating thoracic dystrophy 3. Also called: SHORT-RIB THORACIC DYSPLASIA 3 WITH OR WITHOUT POLYDACTYLY; POLYDACTYLY WITH NEONATAL CHONDRODYSTROPHY, TYPE I; SHORT-RIB THORACIC DYSPLASIA 3/6 WITH POLYDACTYLY, DIGENIC; Short rib polydactyly syndrome 2B; Saldino-Noonan Syndrome. Identifiers: Orphanet 474, Orphanet 93269, Orphanet 93270, Orphanet 93271, MedGen C0036069, MONDO:0013127, OMIM 613091.

Allele frequency attached by ClinVar (database versions not stated): gnomAD exomes below 0.00001.
gnomAD v4.1: 1 of 1,613,412 alleles (0.000062%); highest among the groups gnomAD compares: Admixed American, 0.0017%; no homozygotes.

Submissions (3):

Myriad Genetics, Inc.
Classification: Pathogenic for Asphyxiating thoracic dystrophy 3. Last evaluated: 2024-10-27. Review status: criteria provided, single submitter. Criteria: Myriad Autosomal Dominant, Autosomal Recessive and X-Linked Classification Criteria (2023). Collection method: clinical testing. Allele origin: unknown.
Comment: NM_001377.2(DYNC2H1):c.9292C>T(Q3098*) is expected to be pathogenic in the context of DYNC2H1-related disorders. This variant is predicted to lead to an abnormal or absent protein product due to the creation of a premature termination codon in DYNC2H1, a gene where loss-of-function variants are known to be pathogenic. Please note: this variant was assessed in the context of healthy population screening.

ARUP Laboratories, Molecular Genetics and Genomics, ARUP Laboratories
Classification: Likely pathogenic for Asphyxiating thoracic dystrophy 3. Last evaluated: 2024-10-21. Review status: criteria provided, single submitter. Criteria: ARUP Molecular Germline Variant Investigation Process 2024. Collection method: clinical testing. Allele origin: germline.
Comment: The DYNC2H1 c.9292C>T; p.Gln3098Ter variant (rs1408863024), to our knowledge, is not reported in the medical literature but is reported in ClinVar (Variation ID: 2852967). This variant is only observed on one allele in the Genome Aggregation Database (v2.1.1), indicating it is not a common polymorphism. This variant induces an early termination codon and is predicted to result in a truncated protein or mRNA subject to nonsense-mediated decay. Additionally, several downstream truncating variants have been described in individuals with short-rib polydactyly syndrome and are considered pathogenic (Zhang 2018). Based on available information, this variant is considered to be likely pathogenic. References: Zhang W et al. Expanding the genetic architecture and phenotypic spectrum in the skeletal ciliopathies. Hum Mutat. 2018 Jan;39(1):152-166. PMID: 29068549

Labcorp Genetics (formerly Invitae), Labcorp
Classification: Pathogenic for Jeune thoracic dystrophy. Last evaluated: 2023-04-06. Review status: criteria provided, single submitter. Criteria: Invitae Variant Classification Sherloc (09022015). Collection method: clinical testing. Allele origin: germline.
Comment: For these reasons, this variant has been classified as Pathogenic. This variant has not been reported in the literature in individuals affected with DYNC2H1-related conditions. This variant is present in population databases (no rsID available, gnomAD 0.003%). This sequence change creates a premature translational stop signal (p.Gln3098*) in the DYNC2H1 gene. It is expected to result in an absent or disrupted protein product. Loss-of-function variants in DYNC2H1 are known to be pathogenic (PMID: 23339108, 32753734).

Literature cited by the submitters: PubMed 23339108 (cited by Labcorp Genetics (formerly Invitae), Labcorp); PubMed 32753734 (cited by Labcorp Genetics (formerly Invitae), Labcorp).